The following is an entry in ClinVar:

ClinVar aggregate classification (germline): Likely pathogenic. Review status: criteria provided, single submitter (1 of 4 stars). 2 submissions from 2 submitters: Likely pathogenic (1). 1 of the submissions does not count toward it. Last evaluated 2022-12-19.

Conditions:
Global developmental delay with or without impaired intellectual development. Identifiers: MedGen C5193032, MONDO:0032680, OMIM 618330.

Submissions (2):

Institute of Human Genetics, University of Leipzig Medical Center
Classification: Likely pathogenic for Global developmental delay with or without impaired intellectual development. Last evaluated: 2022-12-19. Review status: criteria provided, single submitter. Criteria: ACMG Guidelines, 2015. Collection method: clinical testing. Allele origin: de novo. Affected: yes.
Comment: Criteria applied: PS2, PM2_Supporting, PP2

OMIM
Classification: Pathogenic for NEURODEVELOPMENTAL DISORDER WITH DEVELOPMENTAL DELAY AND SPEECH DELAY. Last evaluated: 2025-04-09. Review status: no assertion criteria provided. Collection method: literature only. Allele origin: germline. Not counted in ClinVar's aggregate classification.

Literature cited by the submitters: PubMed 37644171 (cited by OMIM).

NM_181552.4(CUX1):c.762G>C (p.Arg254Ser)

Gene: CUX1 (cut like homeobox 1; plus strand). Cytogenetic location: 7q22.1.
Variant type: single nucleotide variant.
Coding change: c.762G>C on transcript NM_181552.4 (MANE Select); coding-DNA position 762, G replaced by C.
Protein change: p.Arg254Ser; replaces arginine 254 with serine.
Molecular consequence: missense variant.
Genome position (GRCh38, 1-based): chr7:102,170,484, G>C. VCF-style: chr7-102170484-G-C. GRCh37 (hg19) VCF-style: chr7-101813764-G-C.
Other names: c.795G>C, p.Arg265Ser (NM_001202543.2, NM_001913.5, NM_181500.4); c.747G>C, p.Arg249Ser (NM_001202544.3); c.657G>C, p.Arg219Ser (NM_001202545.3); c.684G>C, p.Arg228Ser (NM_001202546.3); short protein forms R219S, R228S, R249S, R254S, R265S.
Identifiers: ClinVar variation 1803939 (VCV001803939.2), dbSNP rs2131685158, ClinGen allele CA368664608.